The following is an entry in ClinVar:

ClinVar aggregate classification (germline): Conflicting classifications of pathogenicity. Review status: criteria provided, conflicting classifications (1 of 4 stars). 2 submissions from 2 submitters: Likely pathogenic (1); Uncertain significance (1). Last evaluated 2025-08-26.

Conditions:
Thrombophilia, X-linked, due to factor 9 defect. Identifiers: MedGen C2749016, MONDO:0010432, OMIM 300807.
Hereditary factor IX deficiency disease (HEMB). Also called: F9 DEFICIENCY; FACTOR IX DEFICIENCY; PLASMA THROMBOPLASTIN COMPONENT DEFICIENCY; Hemophilia B; Christmas Disease. Identifiers: Orphanet 98879, MedGen C0008533, MeSH D002836, MONDO:0010604, OMIM 306900.

Submissions (2):

Mayo Clinic Laboratories, Mayo Clinic
Classification: Likely pathogenic. Last evaluated: 2025-08-26. Review status: criteria provided, single submitter. Criteria: ACMG Guidelines, 2015. Collection method: clinical testing. Allele origin: germline. Observed: 2 variant alleles.
Comment: PP3_moderate, PM1, PM2_supporting, PS4_supporting

Labcorp Genetics (formerly Invitae), Labcorp
Classification: Uncertain significance for Thrombophilia, X-linked, due to factor 9 defect; Hereditary factor IX deficiency disease. Last evaluated: 2023-09-14. Review status: criteria provided, single submitter. Criteria: Invitae Variant Classification Sherloc (09022015). Collection method: clinical testing. Allele origin: germline.
Comment: In summary, the available evidence is currently insufficient to determine the role of this variant in disease. Therefore, it has been classified as a Variant of Uncertain Significance. This variant disrupts the p.Asn138 amino acid residue in F9. Other variant(s) that disrupt this residue have been determined to be pathogenic (PMID: 7937052, 25251685). This suggests that this residue is clinically significant, and that variants that disrupt this residue are likely to be disease-causing. Advanced modeling of protein sequence and biophysical properties (such as structural, functional, and spatial information, amino acid conservation, physicochemical variation, residue mobility, and thermodynamic stability) performed at Invitae indicates that this missense variant is not expected to disrupt F9 protein function. ClinVar contains an entry for this variant (Variation ID: 1162915). This missense change has been observed in individuals with hemophilia B (PMID: 10874302, 18179572). This variant is not present in population databases (gnomAD no frequency). This sequence change replaces asparagine, which is neutral and polar, with serine, which is neutral and polar, at codon 138 of the F9 protein (p.Asn138Ser).

Literature cited by the submitters: PubMed 29296726 (cited by Mayo Clinic Laboratories, Mayo Clinic); PubMed 7937052 (cited by Labcorp Genetics (formerly Invitae), Labcorp); PubMed 25251685 (cited by Labcorp Genetics (formerly Invitae), Labcorp); PubMed 10874302 (cited by Labcorp Genetics (formerly Invitae), Labcorp); PubMed 18179572 (cited by Labcorp Genetics (formerly Invitae), Labcorp).

NM_000133.4(F9):c.413A>G (p.Asn138Ser)

Gene: F9 (coagulation factor IX; plus strand). Cytogenetic location: Xq27.1.
Variant type: single nucleotide variant.
Coding change: c.413A>G on transcript NM_000133.4 (MANE Select); coding-DNA position 413, A replaced by G.
Protein change: p.Asn138Ser; replaces asparagine 138 with serine.
Molecular consequence: missense variant.
Genome position (GRCh38, 1-based): chrX:139,548,384, A>G. VCF-style: chrX-139548384-A-G. GRCh37 (hg19) VCF-style: chrX-138630543-A-G.
Other names: c.299A>G, p.Asn100Ser (NM_001313913.2); short protein forms N100S, N138S.
Identifiers: ClinVar variation 1162915 (VCV001162915.9), dbSNP rs2148361153, ClinGen allele CA414438853.
Genomic context (GRCh38, chrX:139,548,384, plus strand): 5'-GTTAAATGATGCTGTTACTGTCTATTTTGCTTCTTTTAGATGTAACATGTAACATTAAGA[A>G]TGGCAGATGCGAGCAGTTTTGTAAAAATAGTGCTGATAACAAGGTGGTTTGCTCCTGTAC-3'
Protein context (NP_000124.1, residues 128-148): CELDVTCNIK[Asn138Ser]GRCEQFCKNS